The following is an entry in ClinVar:

ClinVar aggregate classification (germline): Uncertain significance (1 of 4 stars; one submission).

Conditions:
Hypohidrotic X-linked ectodermal dysplasia (XHED). Also called: ECTODERMAL DYSPLASIA, HYPOHIDROTIC, 1; CST SYNDROME; Christ-Siemans-Touraine syndrome; ECTODERMAL DYSPLASIA 1; Ectodermal Dysplasia 1, Anhidrotic; Anhidrotic ectodermal dysplasia X-linked. Identifiers: Orphanet 181, Orphanet 238468, MedGen C0162359, MONDO:0010585, OMIM 305100.

Submission:

Labcorp Genetics (formerly Invitae), Labcorp
Classification: Uncertain significance for Hypohidrotic X-linked ectodermal dysplasia. Last evaluated: 2022-08-23. Review status: criteria provided, single submitter. Criteria: Invitae Variant Classification Sherloc (09022015). Collection method: clinical testing. Allele origin: germline.
Comment: Information on the frequency of this variant in the gnomAD database is not available, as this variant may be reported differently in the database. In summary, the available evidence is currently insufficient to determine the role of this variant in disease. Therefore, it has been classified as a Variant of Uncertain Significance. This variant disrupts the p.Arg156 amino acid residue in EDA. Other variant(s) that disrupt this residue have been determined to be pathogenic (PMID: 9683615, 11279189, 11295832, 11416205, 18231121). This suggests that this residue is clinically significant, and that variants that disrupt this residue are likely to be disease-causing. Experimental studies and prediction algorithms are not available or were not evaluated, and the functional significance of this variant is currently unknown. This missense change has been observed in individual(s) with clinical features of ectodermal dysplasia (PMID: 10951256; Invitae). This sequence change replaces arginine, which is basic and polar, with serine, which is neutral and polar, at codon 156 of the EDA protein (p.Arg156Ser).

Literature cited by the submitters: PubMed 9683615; PubMed 11279189; PubMed 11295832; PubMed 11416205; PubMed 18231121; PubMed 10951256.

NM_001399.5(EDA):c.466_467delinsTC (p.Arg156Ser)

Gene: EDA (ectodysplasin A; plus strand). Cytogenetic location: Xq13.1.
Variant type: Indel.
Coding change: c.466_467delinsTC on transcript NM_001399.5 (MANE Select); coding-DNA positions 466 to 467, CG replaced by TC.
Protein change: p.Arg156Ser; replaces arginine 156 with serine.
Molecular consequence: missense variant.
Genome position (GRCh38, 1-based): chrX:69,957,096-69,957,097, CG replaced by TC. VCF-style: chrX-69957096-CG-TC. GRCh37 (hg19) VCF-style: chrX-69176946-CG-TC.
Other names: c.466_467delinsTC, p.Arg156Ser (NM_001005609.2, NM_001005612.3); short protein forms R156S.
Identifiers: ClinVar variation 2026580 (VCV002026580.4), dbSNP rs2520242754, ClinGen allele CA2580101298.
Genomic context (GRCh38, chrX:69,957,096, plus strand): 5'-TTGAATTTCTTCTTCCCTGATGAAAAGCCATACTCTGAAGAAGAAAGTAGGCGTGTTCGC[CG>TC]CAATAAAAGAAGCAAAAGCAATGAAGGAGCAGATGGTAAGTCTACTCAGTTGATCCTTTA-3'
Protein context (NP_001390.1, residues 146-166): YSEEESRRVR[Arg156Ser]NKRSKSNEGA